The following is an entry in ClinVar:

NM_000038.6(APC):c.3292T>C (p.Cys1098Arg)

Gene: APC (APC regulator of Wnt signaling pathway; plus strand). Cytogenetic location: 5q22.2.
Variant type: single nucleotide variant.
Coding change: c.3292T>C on transcript NM_000038.6 (MANE Select); coding-DNA position 3292, T replaced by C.
Protein change: p.Cys1098Arg; replaces cysteine 1098 with arginine.
Molecular consequence: missense variant. On other transcripts: non-coding transcript variant (2).
Genome position (GRCh38, 1-based): chr5:112,838,886, T>C. VCF-style: chr5-112838886-T-C. GRCh37 (hg19) VCF-style: chr5-112174583-T-C.
Other names: c.3292T>C, p.Cys1098Arg (NM_001127510.3, NM_001354895.2, NM_001407450.1); c.3238T>C, p.Cys1080Arg (NM_001127511.3); c.3346T>C, p.Cys1116Arg (NM_001354896.2, NM_001407447.1, NM_001407448.1 and 1 more transcripts); c.3322T>C, p.Cys1108Arg (NM_001354897.2); c.3217T>C, p.Cys1073Arg (NM_001354898.2); c.3208T>C, p.Cys1070Arg (NM_001354899.2); c.3169T>C, p.Cys1057Arg (NM_001354900.2); c.3115T>C, p.Cys1039Arg (NM_001354901.2, NM_001407453.1); and 11 more; short protein forms C1007R, C1015R, C1108R, C714R, C969R, C972R, C1070R, C1073R.
Identifiers: ClinVar variation 2769003 (VCV002769003.3), dbSNP rs1445917644, ClinGen allele CA16028563.

ClinVar aggregate classification (germline): Uncertain significance (1 of 4 stars; one submission).

Conditions:
Familial adenomatous polyposis 1 (FAP1). Also called: POLYPOSIS, ADENOMATOUS INTESTINAL; FAMILIAL ADENOMATOUS POLYPOSIS 1, ATTENUATED. Identifiers: MedGen C2713442, MONDO:0021056, OMIM 175100. Disease mechanism: loss of function.

Allele frequency attached by ClinVar (database versions not stated): gnomAD exomes below 0.00001; gnomAD 0.00001.
gnomAD v4.1: 7 of 1,614,042 alleles (0.00043%); highest among the groups gnomAD compares: South Asian, 0.0077%; no homozygotes.

Submission:

Labcorp Genetics (formerly Invitae), Labcorp
Classification: Uncertain significance for Familial adenomatous polyposis 1. Last evaluated: 2023-10-16. Review status: criteria provided, single submitter. Criteria: Invitae Variant Classification Sherloc (09022015). Collection method: clinical testing. Allele origin: germline.
Comment: This sequence change replaces cysteine, which is neutral and slightly polar, with arginine, which is basic and polar, at codon 1098 of the APC protein (p.Cys1098Arg). This variant is present in population databases (no rsID available, gnomAD 0.003%). This variant has not been reported in the literature in individuals affected with APC-related conditions. Advanced modeling of protein sequence and biophysical properties (such as structural, functional, and spatial information, amino acid conservation, physicochemical variation, residue mobility, and thermodynamic stability) performed at Invitae indicates that this missense variant is not expected to disrupt APC protein function. In summary, the available evidence is currently insufficient to determine the role of this variant in disease. Therefore, it has been classified as a Variant of Uncertain Significance.